The following is an entry in ClinVar:

NM_000100.4(CSTB):c.125C>A (p.Ser42Ter)

Gene: CSTB (cystatin B; minus strand). Cytogenetic location: 21q22.3.
Variant type: single nucleotide variant.
Coding change: c.125C>A on transcript NM_000100.4 (MANE Select); coding-DNA position 125, C replaced by A.
Protein change: p.Ser42Ter; replaces serine 42 with a stop codon.
Molecular consequence: nonsense.
Genome position (GRCh38, 1-based): chr21:43,774,701, G>T on the plus strand (C>A on the coding strand, the complement: CSTB is on the minus strand). VCF-style: chr21-43774701-G-T. GRCh37 (hg19) VCF-style: chr21-45194582-G-T.
Other names: short protein forms S42*.
Identifiers: ClinVar variation 55957 (VCV000055957.4), dbSNP rs386833439, ClinGen allele CA344715.
Genomic context (GRCh38, chr21:43,774,701, plus strand): 5'-TGAGGCCCACACTCTACCTTGATGAAGTAGTTTGTCCCCGCGACCACCTGGCTCTTGAAT[G>T]ACACGGCCTTAAACACAGGGAACTTCTTGTTTTCTTTCTCTTCAAGCTGGGACCTCACCT-3'

ClinVar aggregate classification (germline): Likely pathogenic. Review status: criteria provided, single submitter (1 of 4 stars). 3 submissions from 3 submitters: Likely pathogenic (1). 2 of the submissions do not count toward it. Last evaluated 2022-03-29.

Conditions:
CSTB-related disorder. Also called: CSTB-related condition.
Unverricht-Lundborg syndrome. Also called: Unverricht-Lundborg Disease; Epilepsy, progressive myoclonic 1A (Unverricht and Lundborg); Progressive myoclonus epilepsy baltic myoclonic epilepsy; Myoclonus progressive epilepsy of Unverricht and Lundborg; EPILEPSY, PROGRESSIVE MYOCLONIC, 1A; Myoclonic epilepsy of unverricht and lundborg. Identifiers: Orphanet 308, MedGen C0751785, MONDO:0009698, OMIM 254800.

Allele frequency attached by ClinVar (database versions not stated): TOPMed below 0.00001; gnomAD 0.00001.
gnomAD v4.1: 7 of 1,614,096 alleles (0.00043%); highest among the groups gnomAD compares: Non-Finnish European, 0.00059%; no homozygotes.

Submissions (3):

Blueprint Genetics
Classification: Likely pathogenic for CSTB-related disorders. Last evaluated: 2022-03-29. Review status: criteria provided, single submitter. Criteria: ACMG Guidelines, 2015. Collection method: clinical testing. Allele origin: germline. Affected: yes. Observed: 2 variant alleles.

GeneReviews
No classification provided. Condition: Unverricht-Lundborg syndrome. Review status: no classification provided. Collection method: literature only. Allele origin: germline. Affected: yes. Not counted in ClinVar's aggregate classification.

Juha Muilu Group; Institute for Molecular Medicine Finland (FIMM)
Classification: Likely pathogenic for Unverricht-Lundborg syndrome. Review status: no assertion criteria provided. Collection method: not provided. Allele origin: unknown. Not counted in ClinVar's aggregate classification.
Comment: This variant was not found or characterized by our laboratory, variant was reported by Erdinc et al. 2010
ClinVar note: Converted during submission from probable-pathogenic to Likely pathogenic.

Literature cited by the submitters: NCBI Bookshelf NBK1142 (cited by GeneReviews).